The following is an entry in ClinVar:

ClinVar aggregate classification (germline): Uncertain significance. Review status: criteria provided, multiple submitters, no conflicts (2 of 4 stars). 2 submissions from 2 submitters: Uncertain significance (2). Last evaluated 2024-10-07.

Allele frequency attached by ClinVar (database versions not stated): gnomAD 0.00001; TOPMed 0.00002; ExAC 0.00010.
gnomAD v4.1: 57 of 1,608,472 alleles (0.0035%); highest among the groups gnomAD compares: Non-Finnish European, 0.0047%; no homozygotes.

Submissions (2):

Labcorp Genetics (formerly Invitae), Labcorp
Classification: Uncertain significance. Last evaluated: 2024-10-07. Review status: criteria provided, single submitter. Criteria: Invitae Variant Classification Sherloc (09022015). Collection method: clinical testing. Allele origin: germline.
Comment: This sequence change replaces glycine, which is neutral and non-polar, with aspartic acid, which is acidic and polar, at codon 558 of the ATP4A protein (p.Gly558Asp). This variant is present in population databases (rs777090356, gnomAD 0.01%). This variant has not been reported in the literature in individuals affected with ATP4A-related conditions. ClinVar contains an entry for this variant (Variation ID: 2355534). Invitae Evidence Modeling of protein sequence and biophysical properties (such as structural, functional, and spatial information, amino acid conservation, physicochemical variation, residue mobility, and thermodynamic stability) indicates that this missense variant is not expected to disrupt ATP4A protein function with a negative predictive value of 80%. In summary, the available evidence is currently insufficient to determine the role of this variant in disease. Therefore, it has been classified as a Variant of Uncertain Significance.

Ambry Genetics
Classification: Uncertain significance. Last evaluated: 2022-05-04. Review status: criteria provided, single submitter. Criteria: Ambry Variant Classification Scheme 2023. Collection method: clinical testing. Allele origin: germline.

NM_000704.3(ATP4A):c.1673G>A (p.Gly558Asp)

Gene: ATP4A (ATPase H+/K+ transporting subunit alpha; minus strand). Cytogenetic location: 19q13.12.
Variant type: single nucleotide variant.
Coding change: c.1673G>A on transcript NM_000704.3 (MANE Select); coding-DNA position 1673, G replaced by A.
Protein change: p.Gly558Asp; replaces glycine 558 with aspartic acid.
Molecular consequence: missense variant.
Genome position (GRCh38, 1-based): chr19:35,557,675, C>T on the plus strand (G>A on the coding strand, the complement: ATP4A is on the minus strand). VCF-style: chr19-35557675-C-T. GRCh37 (hg19) VCF-style: chr19-36048577-C-T.
Other names: short protein forms G558D.
Identifiers: ClinVar variation 2355534 (VCV002355534.4), dbSNP rs777090356, ClinGen allele CA9381008.